The following is an entry in ClinVar:

ClinVar aggregate classification (germline): Uncertain significance. Review status: criteria provided, multiple submitters, no conflicts (2 of 4 stars). 6 submissions from 6 submitters: Uncertain significance (6). Last evaluated 2024-09-23.

Conditions:
Arrhythmogenic right ventricular dysplasia 8 (ARVD8). Also called: Arrhythmogenic Right Ventricular Dysplasia/Cardiomyopathy 8; ARRHYTHMOGENIC RIGHT VENTRICULAR DYSPLASIA, FAMILIAL, 8; ARRHYTHMOGENIC RIGHT VENTRICULAR CARDIOMYOPATHY 8. Identifiers: MedGen C1843896, MONDO:0011831, OMIM 607450.
Arrhythmogenic cardiomyopathy with wooly hair and keratoderma. Also called: Dilated cardiomyopathy with woolly hair and keratoderma; Arrhythmogenic cardiomyopathy with woolly hair and keratoderma; PALMOPLANTAR KERATODERMA WITH LEFT VENTRICULAR CARDIOMYOPATHY AND WOOLLY HAIR; Carvajal syndrome. Identifiers: Orphanet 65282, MedGen C1854063, MONDO:0011581, OMIM 605676.
Woolly hair-skin fragility syndrome (WHSF). Identifiers: Orphanet 293165, MedGen C1843292, MONDO:0957307, OMIM 620415.
Cardiomyopathy, dilated, with wooly hair, keratoderma, and tooth agenesis. Also called: Erythrokeratodermia-cardiomyopathy syndrome; Cardiomyopathy, dilated, with woolly hair, keratoderma, and tooth agenesis. Identifiers: Orphanet 476096, Orphanet 65282, MedGen C4014393, MONDO:0014355, OMIM 615821.
Lethal acantholytic epidermolysis bullosa (EBLA). Identifiers: Orphanet 158687, MedGen C1864826, MONDO:0012323, OMIM 609638.
Keratosis palmoplantaris striata 2. Also called: KERATODERMA, PALMOPLANTAR, STRIATE FORM II; STRIATE PALMOPLANTAR KERATODERMA II; Keratosis palmoplantaris striata II. Identifiers: MedGen C1852127, MONDO:0013034, OMIM 612908.
Cardiovascular phenotype. Identifiers: MedGen CN230736.
Cardiomyopathy (CMYO). Also called: Cardiomyopathies. Identifiers: Orphanet 167848, MedGen C0878544, MONDO:0004994, HP:0001638. Inheritance: Various modes of inheritance.

Allele frequency attached by ClinVar (database versions not stated): gnomAD exomes below 0.00001; gnomAD 0.00001; TOPMed 0.00001.
gnomAD v4.1: 74 of 1,613,974 alleles (0.0046%); highest among the groups gnomAD compares: Non-Finnish European, 0.0061%; no homozygotes.

Submissions (6):

All of Us Research Program, National Institutes of Health
Classification: Uncertain significance for Arrhythmogenic cardiomyopathy with wooly hair and keratoderma. Last evaluated: 2024-09-23. Review status: criteria provided, single submitter. Criteria: ACMG Guidelines, 2015. Collection method: clinical testing. Allele origin: germline. Inheritance: Autosomal dominant inheritance. Observed: 8 variant alleles, 8 heterozygotes.
Comment: This missense variant replaces alanine with threonine at codon 1274 of the DSP protein. Computational prediction suggests that this variant may not impact protein structure and function (internally defined REVEL score threshold <= 0.5, PMID: 27666373). To our knowledge, functional studies have not been reported for this variant. This variant has not been reported in individuals affected with DSP-related disorders in the literature. This variant has been identified in 1/250774 chromosomes in the general population by the Genome Aggregation Database (gnomAD). The available evidence is insufficient to determine the role of this variant in disease conclusively. Therefore, this variant is classified as a Variant of Uncertain Significance.

This study involves interpretation of variants in research participants for the purpose of population health screening. Participant phenotype was not available at the time of variant classification. Additional details can be found in publication PMID: 35346344, PMCID: PMC8962531

Ambry Genetics
Classification: Uncertain significance for Cardiovascular phenotype. Last evaluated: 2024-08-12. Review status: criteria provided, single submitter. Criteria: Ambry Variant Classification Scheme 2023. Collection method: clinical testing. Allele origin: germline.
Comment: The p.A1274T variant (also known as c.3820G>A), located in coding exon 23 of the DSP gene, results from a G to A substitution at nucleotide position 3820. The alanine at codon 1274 is replaced by threonine, an amino acid with similar properties. This variant co-occurred with another DSP variant in an individual idiopathic cardiac arrest; however, details were limited (Mellor G et al. Circ Cardiovasc Genet, 2017 Jun;10). This amino acid position is not well conserved in available vertebrate species. In addition, the in silico prediction for this alteration is inconclusive. Since supporting evidence is limited at this time, the clinical significance of this alteration remains unclear.

Color Diagnostics, LLC DBA Color Health
Classification: Uncertain significance for Cardiomyopathy. Last evaluated: 2024-03-19. Review status: criteria provided, single submitter. Criteria: ACMG Guidelines, 2015. Collection method: clinical testing. Allele origin: germline.
Comment: This missense variant replaces alanine with threonine at codon 1274 of the DSP protein. Computational prediction suggests that this variant may not impact protein structure and function. To our knowledge, functional studies have not been reported for this variant. This variant has not been reported in individuals affected with DSP-related disorders in the literature. This variant has been identified in 1/250774 chromosomes in the general population by the Genome Aggregation Database (gnomAD). The available evidence is insufficient to determine the role of this variant in disease conclusively. Therefore, this variant is classified as a Variant of Uncertain Significance.

Labcorp Genetics (formerly Invitae), Labcorp
Classification: Uncertain significance for Arrhythmogenic cardiomyopathy with wooly hair and keratoderma; Arrhythmogenic right ventricular dysplasia 8. Last evaluated: 2024-01-11. Review status: criteria provided, single submitter. Criteria: Invitae Variant Classification Sherloc (09022015). Collection method: clinical testing. Allele origin: germline.
Comment: This sequence change replaces alanine, which is neutral and non-polar, with threonine, which is neutral and polar, at codon 1274 of the DSP protein (p.Ala1274Thr). This variant is present in population databases (no rsID available, gnomAD 0.0009%). This variant has not been reported in the literature in individuals affected with DSP-related conditions. ClinVar contains an entry for this variant (Variation ID: 465894). An algorithm developed to predict the effect of missense changes on protein structure and function (PolyPhen-2) suggests that this variant¬†is likely to be tolerated. In summary, the available evidence is currently insufficient to determine the role of this variant in disease. Therefore, it has been classified as a Variant of Uncertain Significance.

GeneDx
Classification: Uncertain significance. Last evaluated: 2023-10-04. Review status: criteria provided, single submitter. Criteria: GeneDx Variant Classification Process June 2021. Collection method: clinical testing. Allele origin: germline. Affected: yes.
Comment: Not observed at significant frequency in large population cohorts (gnomAD); In silico analysis supports that this missense variant does not alter protein structure/function; This variant is associated with the following publications: (PMID: 34949099, 28600387)

Fulgent Genetics
Classification: Uncertain significance for Arrhythmogenic cardiomyopathy with wooly hair and keratoderma; Arrhythmogenic right ventricular dysplasia 8; Lethal acantholytic epidermolysis bullosa; Keratosis palmoplantaris striata 2; Cardiomyopathy, dilated, with wooly hair, keratoderma, and tooth agenesis. Last evaluated: 2021-10-15. Review status: criteria provided, single submitter. Criteria: ACMG Guidelines, 2015. Collection method: clinical testing. Allele origin: unknown.

Literature cited by the submitters: PubMed 28600387 (cited by Ambry Genetics).

NM_004415.4(DSP):c.3820G>A (p.Ala1274Thr)

Gene: DSP (desmoplakin; plus strand). Cytogenetic location: 6p24.3.
Variant type: single nucleotide variant.
Coding change: c.3820G>A on transcript NM_004415.4 (MANE Select); coding-DNA position 3820, G replaced by A.
Protein change: p.Ala1274Thr; replaces alanine 1274 with threonine.
Molecular consequence: missense variant. On other transcripts: intron variant (1).
Genome position (GRCh38, 1-based): chr6:7,580,010, G>A. VCF-style: chr6-7580010-G-A. GRCh37 (hg19) VCF-style: chr6-7580243-G-A.
Other names: c.3820G>A, p.Ala1274Thr (NM_001319034.2); c.3582+238G>A (NM_001008844.3); c.3820G>A (LRG_423t1); short protein forms A1274T.
Identifiers: ClinVar variation 465894 (VCV000465894.15), dbSNP rs1285435504, ClinGen allele CA362684924.